The following is an entry in ClinVar:

ClinVar aggregate classification (germline): Pathogenic. Review status: criteria provided, single submitter (1 of 4 stars). 3 submissions from 3 submitters: Pathogenic (1). 2 of the submissions do not count toward it. Last evaluated 2021-11-19.

Conditions:
Charcot-Marie-Tooth disease. Also called: Charcot-Marie-Tooth Hereditary Neuropathy; Charcot-Marie-Tooth Neuropathy. Identifiers: Orphanet 166, MedGen C0007959, MONDO:0015626.
Hereditary insensitivity to pain with anhidrosis (CIPA). Also called: INSENSITIVITY TO PAIN, CONGENITAL, WITH ANHIDROSIS; HSAN Type IV; NTRK1 Congenital Insensitivity to Pain with Anhidrosis; FAMILIAL DYSAUTONOMIA, TYPE II; hereditary sensory and autonomic neuropathy type 4; NEUROPATHY, CONGENITAL SENSORY, WITH ANHIDROSIS. Identifiers: Orphanet 642, MedGen C0020074, MONDO:0009746, OMIM 256800.

Submissions (3):

Labcorp Genetics (formerly Invitae), Labcorp
Classification: Pathogenic for Hereditary insensitivity to pain with anhidrosis. Last evaluated: 2021-11-19. Review status: criteria provided, single submitter. Criteria: Invitae Variant Classification Sherloc (09022015). Collection method: clinical testing. Allele origin: germline.
Comment: For these reasons, this variant has been classified as Pathogenic. ClinVar contains an entry for this variant (Variation ID: 637814). This premature translational stop signal has been observed in individual(s) with hereditarysensory neuropathy type IV (PMID: 16373086). The frequency data for this variant in the population databases is considered unreliable, as metrics indicate poor data quality at this position in the gnomAD database. This sequence change creates a premature translational stop signal (p.Leu183Trpfs*14) in the NTRK1 gene. It is expected to result in an absent or disrupted protein product. Loss-of-function variants in NTRK1 are known to be pathogenic (PMID: 10982191).

Natera, Inc.
Classification: Pathogenic for Hereditary insensitivity to pain with anhidrosis. Last evaluated: 2020-09-16. Review status: no assertion criteria provided. Collection method: clinical testing. Allele origin: germline. Not counted in ClinVar's aggregate classification.

Inherited Neuropathy Consortium
Classification: Uncertain significance for Charcot-Marie-Tooth disease. Review status: no assertion criteria provided. Collection method: literature only. Allele origin: germline. Affected: yes. Not counted in ClinVar's aggregate classification.

Literature cited by the submitters: PubMed 16373086 (cited by Labcorp Genetics (formerly Invitae), Labcorp and Inherited Neuropathy Consortium); PubMed 10982191 (cited by Labcorp Genetics (formerly Invitae), Labcorp).

NM_002529.4(NTRK1):c.543del (p.Leu183fs)

Gene: NTRK1 (neurotrophic receptor tyrosine kinase 1; plus strand). Cytogenetic location: 1q23.1.
Variant type: Deletion.
Coding change: c.543del on transcript NM_002529.4 (MANE Select); coding-DNA position 543, one base deleted (G; older notation c.543delG).
Protein change: p.Leu183fs; shifts the reading frame from leucine 183.
Molecular consequence: frameshift variant.
Genome position (GRCh38, 1-based): chr1:156,868,218, G deleted; the last of 3 consecutive G bases (chr1:156,868,216-156,868,218); deleting any one gives the same sequence. VCF-style (leftmost placement, unchanged base first): chr1-156868215-AG-A. GRCh37 (hg19) VCF-style: chr1-156838007-AG-A.
Other names: c.543delG (NM_001012331.1); c.453del, p.Leu153fs (NM_001007792.1); c.543del, p.Leu183fs (NM_001012331.2); short protein forms L153fs, L183fs.
Identifiers: ClinVar variation 637814 (VCV000637814.8), dbSNP rs1485714154, ClinGen allele CA526673359.
Genomic context (GRCh38, chr1:156,868,215, plus strand): 5'-GCGCTGGGAGGAGGAGGGACTGGGCGGAGTGCCTGAACAGAAGCTGCAGTGTCATGGGCA[AG>A]GGCCCCTGGCCCACATGCCCAATGCCAGCTGTGGTAGGTGCCGGGTGAGGGAGGTGGTGT-3'